The following is an entry in ClinVar:

NM_024577.4(SH3TC2):c.2306A>G (p.Glu769Gly)

Gene: SH3TC2 (SH3 domain and tetratricopeptide repeats 2; minus strand). Cytogenetic location: 5q32.
Variant type: single nucleotide variant.
Coding change: c.2306A>G on transcript NM_024577.4 (MANE Select); coding-DNA position 2306, A replaced by G.
Protein change: p.Glu769Gly; replaces glutamic acid 769 with glycine.
Molecular consequence: missense variant.
Genome position (GRCh38, 1-based): chr5:149,027,426, T>C on the plus strand (A>G on the coding strand, the complement: SH3TC2 is on the minus strand). VCF-style: chr5-149027426-T-C. GRCh37 (hg19) VCF-style: chr5-148406989-T-C.
Other names: short protein forms E769G.
Identifiers: ClinVar variation 245704 (VCV000245704.17), dbSNP rs151317042, ClinGen allele CA3499028.
Genomic context (GRCh38, chr5:149,027,426, plus strand): 5'-AGCTGCCCTAGCACCAAGGCCTGGCTCAGGTAGTGGATGGCACCGTCAGGAGACCTGTGC[T>C]CGAGGTACACTTTGGAAAGGATGAGACACAGGGCCCTCTGGGTGCTCCGGTCTGCTAGTT-3'
Protein context (NP_078853.2, residues 759-779): LCLILSKVYL[Glu769Gly]HRSPDGAIHY

ClinVar aggregate classification (germline): Conflicting classifications of pathogenicity. Review status: criteria provided, conflicting classifications (1 of 4 stars). 3 submissions from 3 submitters: Uncertain significance (2); Likely benign (1). Last evaluated 2026-01-05.

Conditions:
Inborn genetic diseases. Identifiers: MedGen C0950123, MeSH D030342.
Charcot-Marie-Tooth disease type 4. Also called: Charcot-Marie-Tooth disease, type IV; Charcot-Marie-Tooth, Type 4. Identifiers: Orphanet 64749, MedGen C4082197, MONDO:0018995.

Allele frequency attached by ClinVar (database versions not stated): gnomAD exomes 0.00004 and 0.00007; ExAC 0.00007; 1000 Genomes Project 0.00020; gnomAD 0.00028 and 0.00034; TOPMed 0.00028; 1000 Genomes Project 30x 0.00031; ESP Exome Variant Server 0.00038.
gnomAD v4.1: 106 of 1,614,102 alleles (0.0066%); highest among the groups gnomAD compares: African/African-American, 0.13%; no homozygotes.

Submissions (3):

Labcorp Genetics (formerly Invitae), Labcorp
Classification: Likely benign for Charcot-Marie-Tooth disease type 4. Last evaluated: 2026-01-05. Review status: criteria provided, single submitter. Criteria: Invitae Variant Classification Sherloc (09022015). Collection method: clinical testing. Allele origin: germline.

Ambry Genetics
Classification: Uncertain significance for Inborn genetic diseases. Last evaluated: 2025-06-03. Review status: criteria provided, single submitter. Criteria: Ambry Variant Classification Scheme 2023. Collection method: clinical testing. Allele origin: germline.

GeneDx
Classification: Uncertain significance. Last evaluated: 2024-10-03. Review status: criteria provided, single submitter. Criteria: GeneDx Variant Classification Process June 2021. Collection method: clinical testing. Allele origin: germline. Affected: yes.
Comment: In silico analysis supports that this missense variant has a deleterious effect on protein structure/function; Has not been previously published as pathogenic or benign to our knowledge